The following is an entry in ClinVar:

NC_012920.1(MT-TS1):m.7493C>T

Gene: MT-TS1 (mitochondrially encoded tRNA serine 1 (UCN); minus strand).
Variant type: single nucleotide variant.
Genome position: chrM-7493-C-T.
Identifiers: ClinVar variation 42229 (VCV000042229.5), dbSNP rs397515728, ClinGen allele CA131014.

ClinVar aggregate classification (germline): Benign. Review status: criteria provided, multiple submitters, no conflicts (2 of 4 stars). 2 submissions from 2 submitters: Benign (2). Last evaluated 2019-07-12.

Conditions:
MELAS syndrome (MELAS). Also called: Juvenile myopathy, encephalopathy, lactic acidosis, stroke. Identifiers: Orphanet 550, MedGen C0162671, MONDO:0010789, OMIM 540000.

Submissions (2):

Wong Mito Lab, Molecular and Human Genetics, Baylor College of Medicine
Classification: Benign for MELAS syndrome. Last evaluated: 2019-07-12. Review status: criteria provided, single submitter. Criteria: Modified ACMG Guidelines (Unpublished). Collection method: clinical testing. Allele origin: germline.
Comment: The NC_012920.1:m.7493C>T variant in MT-TS1 gene is interpreted to be a Benign variant based on the modified ACMG guidelines (unpublished). This variant meets the following evidence codes reported in the guidelines: BS1, BS2, BP4

Laboratory for Molecular Medicine, Mass General Brigham Personalized Medicine
Classification: Benign. Last evaluated: 2015-10-10. Review status: criteria provided, single submitter. Criteria: LMM Criteria. Collection method: clinical testing. Allele origin: germline. Observed: 2 variant alleles.
Comment: m.7493C>T in MTTS1: This variant is not expected to have clinical significance b ecause it has been identified in virtually all individuals from haplotypes D2a ( 60/60) and D2b (13/13) reported in MitoMap.

Literature cited by the submitters: PubMed 31965079 (cited by Wong Mito Lab, Molecular and Human Genetics, Baylor College of Medicine).